The following is an entry in ClinVar:

NM_001267550.2(TTN):c.11312-3593G>A

Gene: TTN (titin; minus strand). Cytogenetic location: 2q31.2.
Variant type: single nucleotide variant.
Coding change: c.11312-3593G>A on transcript NM_001267550.2 (MANE Select); 3593 bases into the intron before coding-DNA position 11312, G replaced by A.
Molecular consequence: intron variant. On other transcripts: 3 prime UTR variant (1).
Genome position (GRCh38, 1-based): chr2:178,745,514, C>T on the plus strand (G>A on the coding strand, the complement: TTN is on the minus strand). VCF-style: chr2-178745514-C-T. GRCh37 (hg19) VCF-style: chr2-179610241-C-T.
Other names: c.10361-3593G>A (NM_001256850.1); c.*71G>A (NM_133379.5); c.10223-3593G>A (NM_003319.4); c.10799-3593G>A (NM_133437.4); c.10598-3593G>A (NM_133432.3); c.10361-7154G>A (NM_133378.4).
Identifiers: ClinVar variation 674246 (VCV000674246.1), dbSNP rs72648916, ClinGen allele CA60986036.

ClinVar aggregate classification (germline): Likely benign (1 of 4 stars; one submission).

Allele frequency attached by ClinVar (database versions not stated): gnomAD exomes 0.00061; 1000 Genomes Project 0.00499; gnomAD 0.00624 and 0.00664; 1000 Genomes Project 30x 0.00640; TOPMed 0.00697.
gnomAD v4.1: 1,895 of 1,587,070 alleles (0.12%); highest among the groups gnomAD compares: African/African-American, 2.2%; 21 homozygotes.

Submission:

GeneDx
Classification: Likely benign. Last evaluated: 2018-06-19. Review status: criteria provided, single submitter. Criteria: GeneDx Variant Classification (06012015). Collection method: clinical testing. Allele origin: germline. Affected: yes.
Comment: This variant is considered likely benign or benign based on one or more of the following criteria: it is a conservative change, it occurs at a poorly conserved position in the protein, it is predicted to be benign by multiple in silico algorithms, and/or has population frequency not consistent with disease.